The following is an entry in ClinVar:

NM_004341.5(CAD):c.4133G>A (p.Arg1378Gln)

Gene: CAD (carbamoyl-phosphate synthetase 2, aspartate transcarbamylase, and dihydroorotase; plus strand). Cytogenetic location: 2p23.3.
Variant type: single nucleotide variant.
Coding change: c.4133G>A on transcript NM_004341.5 (MANE Select); coding-DNA position 4133, G replaced by A.
Protein change: p.Arg1378Gln; replaces arginine 1378 with glutamine.
Molecular consequence: missense variant.
Genome position (GRCh38, 1-based): chr2:27,236,342, G>A. VCF-style: chr2-27236342-G-A. GRCh37 (hg19) VCF-style: chr2-27459210-G-A.
Other names: c.3944G>A, p.Arg1315Gln (NM_001306079.2); short protein forms R1315Q, R1378Q.
Identifiers: ClinVar variation 4851903 (VCV004851903.1).

ClinVar aggregate classification (germline): Uncertain significance (1 of 4 stars; one submission).

gnomAD v4.1: 5 of 1,614,188 alleles (0.00031%); highest among the groups gnomAD compares: Non-Finnish European, 0.00025%; no homozygotes.

Submission:

Dasa
Classification: Uncertain significance. Last evaluated: 2024-10-14. Review status: criteria provided, single submitter. Criteria: DASA Assertion Criteria. Collection method: clinical testing. Allele origin: germline.
Comment: NM_004341.5(CAD):c.4133G>A (p.Arg1378Gln) is a missense variant that results in the substitution of arginine with glutamine. Multiple computational predictions suggest no deleterious effect on the gene or gene product. The variant is present at low frequency in population datasets. Based on the available data, this variant is classified as variant of uncertain significance.